The following is an entry in ClinVar:

NM_001386393.1(PANK2):c.728G>A (p.Gly243Glu)

Gene: PANK2 (pantothenate kinase 2; plus strand). Cytogenetic location: 20p13.
Variant type: single nucleotide variant.
Coding change: c.728G>A on transcript NM_001386393.1 (MANE Select); coding-DNA position 728, G replaced by A.
Protein change: p.Gly243Glu; replaces glycine 243 with glutamic acid.
Molecular consequence: missense variant. On other transcripts: 5 prime UTR variant (1), non-coding transcript variant (1).
Genome position (GRCh38, 1-based): chr20:3,910,653, G>A. VCF-style: chr20-3910653-G-A. GRCh37 (hg19) VCF-style: chr20-3891300-G-A.
Other names: c.185G>A, p.Gly62Glu (NM_001324191.2, NM_024960.6, NM_153640.4); c.-251G>A (NM_001324193.2); c.1058G>A, p.Gly353Glu (NM_153638.4); short protein forms G243E, G353E, G62E.
Identifiers: ClinVar variation 1486156 (VCV001486156.6), dbSNP rs2146866985, ClinGen allele CA408114792.

ClinVar aggregate classification (germline): Uncertain significance (1 of 4 stars; one submission).

Conditions:
Pigmentary pallidal degeneration (NBIA1). Also called: Pantothenate Kinase-Associated Neurodegeneration; Neuroaxonal dystrophy, late infantile; Hallervorden-Spatz disease; PKAN NEUROAXONAL DYSTROPHY, JUVENILE-ONSET; HARP SYNDROME; Neurodegeneration with brain iron accumulation 1. Identifiers: Orphanet 157850, MedGen C0018523, MONDO:0009319, OMIM 234200.

Allele frequency attached by ClinVar (database versions not stated): gnomAD exomes below 0.00001.
gnomAD v4.1: 2 of 1,614,152 alleles (0.00012%); highest among the groups gnomAD compares: Non-Finnish European, 0.00017%; no homozygotes.

Submission:

Labcorp Genetics (formerly Invitae), Labcorp
Classification: Uncertain significance for Pigmentary pallidal degeneration. Last evaluated: 2024-02-24. Review status: criteria provided, single submitter. Criteria: Invitae Variant Classification Sherloc (09022015). Collection method: clinical testing. Allele origin: germline.
Comment: This sequence change replaces glycine, which is neutral and non-polar, with glutamic acid, which is acidic and polar, at codon 353 of the PANK2 protein (p.Gly353Glu). This variant is not present in population databases (gnomAD no frequency). This variant has not been reported in the literature in individuals affected with PANK2-related conditions. ClinVar contains an entry for this variant (Variation ID: 1486156). Advanced modeling of protein sequence and biophysical properties (such as structural, functional, and spatial information, amino acid conservation, physicochemical variation, residue mobility, and thermodynamic stability) has been performed at Invitae for this missense variant, however the output from this modeling did not meet the statistical confidence thresholds required to predict the impact of this variant on PANK2 protein function. In summary, the available evidence is currently insufficient to determine the role of this variant in disease. Therefore, it has been classified as a Variant of Uncertain Significance.